The following is an entry in ClinVar:

NM_015141.4(GPD1L):c.829G>A (p.Glu277Lys)

Gene: GPD1L (glycerol-3-phosphate dehydrogenase 1 like; plus strand). Cytogenetic location: 3p22.3.
Variant type: single nucleotide variant.
Coding change: c.829G>A on transcript NM_015141.4 (MANE Select); coding-DNA position 829, G replaced by A.
Protein change: p.Glu277Lys; replaces glutamic acid 277 with lysine.
Molecular consequence: missense variant.
Genome position (GRCh38, 1-based): chr3:32,159,086, G>A. VCF-style: chr3-32159086-G-A. GRCh37 (hg19) VCF-style: chr3-32200578-G-A.
Other names: short protein forms E277K.
Identifiers: ClinVar variation 1306513 (VCV001306513.2), dbSNP rs775843493, ClinGen allele CA2296752.

ClinVar aggregate classification (germline): Uncertain significance (1 of 4 stars; one submission).

Allele frequency attached by ClinVar (database versions not stated): ExAC 0.00001; gnomAD exomes 0.00001 and 0.00002.
gnomAD v4.1: 6 of 1,613,512 alleles (0.00037%); highest among the groups gnomAD compares: East Asian, 0.0022%; no homozygotes.

Submission:

GeneDx
Classification: Uncertain significance. Last evaluated: 2019-06-20. Review status: criteria provided, single submitter. Criteria: GeneDx Variant Classification Process June 2021. Collection method: clinical testing. Allele origin: germline. Affected: yes.
Comment: Has not been previously published as pathogenic or benign to our knowledge; Not observed at a significant frequency in large population cohorts (Lek et al., 2016); In silico analysis, which includes protein predictors and evolutionary conservation, supports a deleterious effect